The following is an entry in ClinVar:

ClinVar aggregate classification (germline): Uncertain significance (1 of 4 stars; one submission).

Conditions:
MC3R-related disorder. Also called: MC3R-related condition.

Submission:

PreventionGenetics, part of Exact Sciences
Classification: Uncertain significance for MC3R-related condition. Last evaluated: 2024-11-21. Review status: criteria provided, single submitter. Criteria: ACMG Guidelines, 2015. Collection method: clinical testing. Allele origin: germline.
Comment: The MC3R c.209A>G variant is predicted to result in the amino acid substitution p.His70Arg. This variant has been reported in an obese individual (Mohammed et al. 2023. PubMed ID: 37329217). This variant has not been reported in a large population database, indicating this variant is rare. At this time, the clinical significance of this variant is uncertain due to the absence of conclusive functional and genetic evidence.

NM_019888.3(MC3R):c.209A>G (p.His70Arg)

Gene: MC3R (melanocortin 3 receptor; plus strand). Cytogenetic location: 20q13.2.
Variant type: single nucleotide variant.
Coding change: c.209A>G on transcript NM_019888.3 (MANE Select); coding-DNA position 209, A replaced by G.
Protein change: p.His70Arg; replaces histidine 70 with arginine.
Molecular consequence: missense variant.
Genome position (GRCh38, 1-based): chr20:56,249,052, A>G. VCF-style: chr20-56249052-A-G. GRCh37 (hg19) VCF-style: chr20-54824108-A-G.
Other names: short protein forms H70R.
Identifiers: ClinVar variation 4985550 (VCV004985550.1).
Genomic context (GRCh38, chr20:56,249,052, plus strand): 5'-TCGTCAGTCTGCTGGAAAACATCCTGGTTATCCTGGCCGTGGTCAGGAACGGCAACCTGC[A>G]CTCCCCGATGTACTTCTTTCTCTGCAGCCTGGCGGTGGCCGACATGCTGGTAAGTGTGTC-3'
Protein context (NP_063941.3, residues 60-80): ILAVVRNGNL[His70Arg]SPMYFFLCSL